The following is an entry in ClinVar:

NM_000283.4(PDE6B):c.1804C>G (p.Arg602Gly)

Gene: PDE6B (phosphodiesterase 6B; plus strand). Cytogenetic location: 4p16.3.
Variant type: single nucleotide variant.
Coding change: c.1804C>G on transcript NM_000283.4 (MANE Select); coding-DNA position 1804, C replaced by G.
Protein change: p.Arg602Gly; replaces arginine 602 with glycine.
Molecular consequence: missense variant.
Genome position (GRCh38, 1-based): chr4:662,590, C>G. VCF-style: chr4-662590-C-G. GRCh37 (hg19) VCF-style: chr4-656379-C-G.
Other names: c.1804C>G, p.Arg602Gly (NM_001145291.2); c.967C>G, p.Arg323Gly (NM_001145292.2, NM_001350154.3, NM_001379246.1 and 1 more transcripts); c.649C>G, p.Arg217Gly (NM_001350155.3); short protein forms R323G, R217G, R602G.
Identifiers: ClinVar variation 1445906 (VCV001445906.6), dbSNP rs754298498, ClinGen allele CA355917532.

ClinVar aggregate classification (germline): Uncertain significance (1 of 4 stars; one submission).

gnomAD v4.1: 1 of 1,611,602 alleles (0.000062%); highest among the groups gnomAD compares: Middle Eastern, 0.017%; no homozygotes.

Submission:

Labcorp Genetics (formerly Invitae), Labcorp
Classification: Uncertain significance. Last evaluated: 2024-05-22. Review status: criteria provided, single submitter. Criteria: Invitae Variant Classification Sherloc (09022015). Collection method: clinical testing. Allele origin: germline.
Comment: This sequence change replaces arginine, which is basic and polar, with glycine, which is neutral and non-polar, at codon 602 of the PDE6B protein (p.Arg602Gly). This variant is not present in population databases (gnomAD no frequency). This variant has not been reported in the literature in individuals affected with PDE6B-related conditions. ClinVar contains an entry for this variant (Variation ID: 1445906). Advanced modeling of protein sequence and biophysical properties (such as structural, functional, and spatial information, amino acid conservation, physicochemical variation, residue mobility, and thermodynamic stability) has been performed at Invitae for this missense variant, however the output from this modeling did not meet the statistical confidence thresholds required to predict the impact of this variant on PDE6B protein function. In summary, the available evidence is currently insufficient to determine the role of this variant in disease. Therefore, it has been classified as a Variant of Uncertain Significance.